The following is an entry in ClinVar:

NM_032242.4(PLXNA1):c.1334G>A (p.Arg445His)

Gene: PLXNA1 (plexin A1; plus strand). Cytogenetic location: 3q21.3.
Variant type: single nucleotide variant.
Coding change: c.1334G>A on transcript NM_032242.4 (MANE Select); coding-DNA position 1334, G replaced by A.
Protein change: p.Arg445His; replaces arginine 445 with histidine.
Molecular consequence: missense variant.
Genome position (GRCh38, 1-based): chr3:126,991,523, G>A. VCF-style: chr3-126991523-G-A. GRCh37 (hg19) VCF-style: chr3-126710366-G-A.
Other names: short protein forms R445H.
Identifiers: ClinVar variation 2232760 (VCV002232760.3), dbSNP rs543595407, ClinGen allele CA2593194.
Genomic context (GRCh38, chr3:126,991,523, plus strand): 5'-CCCTGTTCGTGGACAAGGATGATGGCCTGACCGCCGTGGCTGCCTATGACTATCGGGGCC[G>A]CACTGTGGTATTCGCCGGCACGCGAAGTGGCCGCATCCGCAAGGTCAGGCCTGGGTGGGG-3'
Protein context (NP_115618.3, residues 435-455): TAVAAYDYRG[Arg445His]TVVFAGTRSG

ClinVar aggregate classification (germline): Uncertain significance. Review status: criteria provided, multiple submitters, no conflicts (2 of 4 stars). 2 submissions from 2 submitters: Uncertain significance (2). Last evaluated 2025-10-28.

Conditions:
PLXNA1-related disorder. Also called: PLXNA1-related condition.

Allele frequency attached by ClinVar (database versions not stated): TOPMed 0.00001.
gnomAD v4.1: 18 of 1,607,484 alleles (0.0011%); highest among the groups gnomAD compares: South Asian, 0.0055%; no homozygotes.

Submissions (2):

PreventionGenetics, part of Exact Sciences
Classification: Uncertain significance for PLXNA1-related condition. Last evaluated: 2025-10-28. Review status: criteria provided, single submitter. Criteria: ACMG Guidelines, 2015. Collection method: clinical testing. Allele origin: germline.
Comment: The PLXNA1 c.1334G>A variant is predicted to result in the amino acid substitution p.Arg445His. To our knowledge, this variant has not been reported in the literature. This variant is reported in 0.0099% of alleles in individuals of South Asian descent in gnomAD. At this time, the clinical significance of this variant is uncertain due to the absence of conclusive functional and genetic evidence.

Ambry Genetics
Classification: Uncertain significance. Last evaluated: 2021-06-11. Review status: criteria provided, single submitter. Criteria: Ambry Variant Classification Scheme 2023. Collection method: clinical testing. Allele origin: germline.